The following is an entry in ClinVar:

ClinVar aggregate classification (germline): Likely pathogenic (1 of 4 stars; one submission).

Conditions:
Neurodevelopmental disorder with or without hyperkinetic movements and seizures, autosomal dominant. Also called: Intellectual disability, autosomal dominant 8. Identifiers: MedGen C3280282, MONDO:0013655, OMIM 614254.

Submission:

Labcorp Genetics (formerly Invitae), Labcorp
Classification: Likely pathogenic for Neurodevelopmental disorder with or without hyperkinetic movements and seizures, autosomal dominant. Last evaluated: 2025-03-15. Review status: criteria provided, single submitter. Criteria: Invitae Variant Classification Sherloc (09022015). Collection method: clinical testing. Allele origin: germline.
Comment: This sequence change replaces asparagine, which is neutral and polar, with histidine, which is basic and polar, at codon 616 of the GRIN1 protein (p.Asn616His). This variant is not present in population databases (gnomAD no frequency). This variant has not been reported in the literature in individuals affected with GRIN1-related conditions. Invitae Evidence Modeling of protein sequence and biophysical properties (such as structural, functional, and spatial information, amino acid conservation, physicochemical variation, residue mobility, and thermodynamic stability) indicates that this missense variant is expected to disrupt GRIN1 protein function with a positive predictive value of 95%. This variant disrupts the p.Asn616 amino acid residue in GRIN1. Other variant(s) that disrupt this residue have been determined to be pathogenic (internal data). This suggests that this residue is clinically significant, and that variants that disrupt this residue are likely to be disease-causing. In summary, the currently available evidence indicates that the variant is pathogenic, but additional data are needed to prove that conclusively. Therefore, this variant has been classified as Likely Pathogenic.

NM_007327.4(GRIN1):c.1846A>C (p.Asn616His)

Gene: GRIN1 (glutamate ionotropic receptor NMDA type subunit 1; plus strand). Cytogenetic location: 9q34.3.
Variant type: single nucleotide variant.
Coding change: c.1846A>C on transcript NM_007327.4 (MANE Select); coding-DNA position 1846, A replaced by C.
Protein change: p.Asn616His; replaces asparagine 616 with histidine.
Molecular consequence: missense variant.
Genome position (GRCh38, 1-based): chr9:137,162,498, A>C. VCF-style: chr9-137162498-A-C. GRCh37 (hg19) VCF-style: chr9-140056950-A-C.
Other names: c.1846A>C, p.Asn616His (NM_000832.7, NM_021569.4); c.1909A>C, p.Asn637His (NM_001185090.2, NM_001185091.2, NM_001437330.1 and 1 more transcripts); short protein forms N637H, N616H.
Identifiers: ClinVar variation 4747305 (VCV004747305.1).